The following is an entry in ClinVar:

NM_032634.4(PIGO):c.1352T>G (p.Met451Arg)

Gene: PIGO (phosphatidylinositol glycan anchor biosynthesis class O; minus strand). Cytogenetic location: 9p13.3.
Variant type: single nucleotide variant.
Coding change: c.1352T>G on transcript NM_032634.4 (MANE Select); coding-DNA position 1352, T replaced by G.
Protein change: p.Met451Arg; replaces methionine 451 with arginine.
Molecular consequence: missense variant. On other transcripts: intron variant (2).
Genome position (GRCh38, 1-based): chr9:35,092,535, A>C on the plus strand (T>G on the coding strand, the complement: PIGO is on the minus strand). VCF-style: chr9-35092535-A-C. GRCh37 (hg19) VCF-style: chr9-35092532-A-C.
Other names: c.1344+8T>G (NM_152850.4, NM_001201484.2); short protein forms M451R.
Identifiers: ClinVar variation 373818 (VCV000373818.2), dbSNP rs1057518632, ClinGen allele CA16042782.

ClinVar aggregate classification (germline): Conflicting classifications of pathogenicity. Review status: criteria provided, conflicting classifications (1 of 4 stars). 2 submissions from 2 submitters: Likely pathogenic (1); Uncertain significance (1). Last evaluated 2018-07-12.

Conditions:
Hyperphosphatasia with impaired intellectual development syndrome 2. Also called: Hyperphosphatasia with intellectual disability syndrome 2; GLYCOSYLPHOSPHATIDYLINOSITOL BIOSYNTHESIS DEFECT 6. Identifiers: Orphanet 247262, MedGen C3553637, MONDO:0013882, OMIM 614749.

Allele frequency attached by ClinVar (database versions not stated): gnomAD exomes below 0.00001.
gnomAD v4.1: 4 of 1,614,214 alleles (0.00025%); highest among the groups gnomAD compares: Non-Finnish European, 0.00034%; no homozygotes.

Submissions (2):

HudsonAlpha Institute for Biotechnology
Classification: Uncertain significance for Hyperphosphatasia with impaired intellectual development syndrome 2. Last evaluated: 2018-07-12. Review status: criteria provided, single submitter. Criteria: ACMG Guidelines, 2015. Collection method: research. Allele origin: maternal. Affected: yes. Observed: 1 variant allele. Study: CSER-SouthSeq.
Comment: ACMG codes: PM2, PP3, PP5

GeneDx
Classification: Likely pathogenic. Last evaluated: 2016-12-16. Review status: criteria provided, single submitter. Criteria: GeneDx Variant Classification (06012015). Collection method: clinical testing. Allele origin: germline. Affected: yes.
Comment: The M451R variant in the PIGO gene has not been reported previously as a pathogenic variant, nor as a benign variant, to our knowledge. The M451R variant was not observed in approximately 6500 individuals of European and African American ancestry in the NHLBI Exome Sequencing Project, indicating it is not a common benign variant in these populations. The M451R variant is a non-conservative amino acid substitution, which is likely to impact secondary protein structure as these residues differ in polarity, charge, size and/or other properties. This substitution occurs at a position that is conserved across species, and in silico analysis predicts this variant is probably damaging to the protein structure/function. As an alternate mechanism, multiple in silico algorithms predict that this sequence change might create a cryptic splice acceptor site in exon 7 which may supplant the natural acceptor site. However, in the absence of RNA/functional studies, the actual effect of this sequence change in this individual is unknown. The M451R variant is a strong candidate for a pathogenic variant, however the possibility it may be a rare benign variant cannot be excluded.